The following is an entry in ClinVar:

NM_000368.5(TSC1):c.1582G>T (p.Gly528Cys)

Gene: TSC1 (TSC complex subunit 1; minus strand). Cytogenetic location: 9q34.13.
Variant type: single nucleotide variant.
Coding change: c.1582G>T on transcript NM_000368.5 (MANE Select); coding-DNA position 1582, G replaced by T.
Protein change: p.Gly528Cys; replaces glycine 528 with cysteine.
Molecular consequence: missense variant.
Genome position (GRCh38, 1-based): chr9:132,905,996, C>A on the plus strand (G>T on the coding strand, the complement: TSC1 is on the minus strand). VCF-style: chr9-132905996-C-A. GRCh37 (hg19) VCF-style: chr9-135781383-C-A.
Other names: c.1579G>T, p.Gly527Cys (NM_001162426.2); c.1429G>T, p.Gly477Cys (NM_001162427.2); c.1219G>T, p.Gly407Cys (NM_001362177.2); short protein forms G528C, G407C, G477C, G527C.
Identifiers: ClinVar variation 945151 (VCV000945151.10), dbSNP rs1845645876, ClinGen allele CA375364944.
Genomic context (GRCh38, chr9:132,905,996, plus strand): 5'-GTGTGTCAGGCCCAAGCTTGTCCAGGGAGGAGTGTAAAGGCTCAGGGTTCACGCTGGCGC[C>A]CTGAGAACTGGAGGCTGCCGAGTGGGTCTTCCGCTGAGAACCTGGGAGACTGTCTCGGTA-3'
Protein context (NP_000359.1, residues 518-538): KTHSAASSSQ[Gly528Cys]ASVNPEPLHS

ClinVar aggregate classification (germline): Uncertain significance. Review status: criteria provided, multiple submitters, no conflicts (2 of 4 stars). 3 submissions from 3 submitters: Uncertain significance (3). Last evaluated 2025-08-30.

Conditions:
Hereditary cancer-predisposing syndrome. Also called: Neoplastic Syndromes, Hereditary; Hereditary neoplastic syndrome; Hereditary Cancer Syndrome; Tumor predisposition. Identifiers: Orphanet 140162, MedGen C0027672, MeSH D009386, MONDO:0015356.
Tuberous sclerosis syndrome (TSC). Also called: Tuberous Sclerosis Complex; Tuberous sclerosis. Identifiers: Orphanet 805, MedGen C0041341, MONDO:0001734.
Tuberous sclerosis 1 (TSC1). Identifiers: Orphanet 805, MedGen C1854465, MONDO:0008612, OMIM 191100.

Submissions (3):

Color Diagnostics, LLC DBA Color Health
Classification: Uncertain significance for Tuberous sclerosis syndrome. Last evaluated: 2025-08-30. Review status: criteria provided, single submitter. Criteria: ACMG Guidelines, 2015. Collection method: clinical testing. Allele origin: germline.
Comment: This missense variant replaces glycine with cysteine at codon 528 of the TSC1 protein. Computational prediction suggests that this variant may not impact protein structure and function. To our knowledge, functional studies have not been reported for this variant. This variant has not been reported in individuals affected with TSC1-related disorders in the literature. This variant has not been identified in the general population by the Genome Aggregation Database (gnomAD). The available evidence is insufficient to determine the role of this variant in disease conclusively. Therefore, this variant is classified as a Variant of Uncertain Significance.

Ambry Genetics
Classification: Uncertain significance for Hereditary cancer-predisposing syndrome. Last evaluated: 2023-11-15. Review status: criteria provided, single submitter. Criteria: Ambry Variant Classification Scheme 2023. Collection method: clinical testing. Allele origin: germline.
Comment: The p.G528C variant (also known as c.1582G>T), located in coding exon 13 of the TSC1 gene, results from a G to T substitution at nucleotide position 1582. The glycine at codon 528 is replaced by cysteine, an amino acid with highly dissimilar properties. This amino acid position is conserved. In addition, the in silico prediction for this alteration is inconclusive. Since supporting evidence is limited at this time, the clinical significance of this alteration remains unclear.

Labcorp Genetics (formerly Invitae), Labcorp
Classification: Uncertain significance for Tuberous sclerosis 1. Last evaluated: 2023-02-08. Review status: criteria provided, single submitter. Criteria: Invitae Variant Classification Sherloc (09022015). Collection method: clinical testing. Allele origin: germline.
Comment: This variant has not been reported in the literature in individuals affected with TSC1-related conditions. ClinVar contains an entry for this variant (Variation ID: 945151). This variant is not present in population databases (gnomAD no frequency). This sequence change replaces glycine, which is neutral and non-polar, with cysteine, which is neutral and slightly polar, at codon 528 of the TSC1 protein (p.Gly528Cys). Advanced modeling of protein sequence and biophysical properties (such as structural, functional, and spatial information, amino acid conservation, physicochemical variation, residue mobility, and thermodynamic stability) performed at Invitae indicates that this missense variant is not expected to disrupt TSC1 protein function. In summary, the available evidence is currently insufficient to determine the role of this variant in disease. Therefore, it has been classified as a Variant of Uncertain Significance.